The following is an entry in ClinVar:

NM_004304.5(ALK):c.2780G>C (p.Gly927Ala)

Gene: ALK (ALK receptor tyrosine kinase; minus strand). Cytogenetic location: 2p23.2.
Variant type: single nucleotide variant.
Coding change: c.2780G>C on transcript NM_004304.5 (MANE Select); coding-DNA position 2780, G replaced by C.
Protein change: p.Gly927Ala; replaces glycine 927 with alanine.
Molecular consequence: missense variant.
Genome position (GRCh38, 1-based): chr2:29,228,919, C>G on the plus strand (G>C on the coding strand, the complement: ALK is on the minus strand). VCF-style: chr2-29228919-C-G. GRCh37 (hg19) VCF-style: chr2-29451785-C-G.
Other names: c.2780G>C (NM_004304.4); short protein forms G927A.
Identifiers: ClinVar variation 1489372 (VCV001489372.9), dbSNP rs2148180455, ClinGen allele CA346469566.

ClinVar aggregate classification (germline): Uncertain significance. Review status: criteria provided, multiple submitters, no conflicts (2 of 4 stars). 2 submissions from 2 submitters: Uncertain significance (2). Last evaluated 2024-02-26.

Conditions:
Neuroblastoma, susceptibility to, 3. Also called: ALK-Related Neuroblastic Tumor Susceptibility. Identifiers: Orphanet 635, MedGen C2751681, MONDO:0013083, OMIM 613014.
Hereditary cancer-predisposing syndrome. Also called: Neoplastic Syndromes, Hereditary; Tumor predisposition; Hereditary neoplastic syndrome; Hereditary Cancer Syndrome. Identifiers: Orphanet 140162, MedGen C0027672, MeSH D009386, MONDO:0015356.

Submissions (2):

Ambry Genetics
Classification: Uncertain significance for Hereditary cancer-predisposing syndrome. Last evaluated: 2024-02-26. Review status: criteria provided, single submitter. Criteria: Ambry Variant Classification Scheme 2023. Collection method: clinical testing. Allele origin: germline.
Comment: The p.G927A variant (also known as c.2780G>C), located in coding exon 16 of the ALK gene, results from a G to C substitution at nucleotide position 2780. The glycine at codon 927 is replaced by alanine, an amino acid with similar properties. This amino acid position is conserved. In addition, this alteration is predicted to be tolerated by in silico analysis. Based on the available evidence, the clinical significance of this alteration remains unclear.

Labcorp Genetics (formerly Invitae), Labcorp
Classification: Uncertain significance for Neuroblastoma, susceptibility to, 3. Last evaluated: 2021-06-05. Review status: criteria provided, single submitter. Criteria: Invitae Variant Classification Sherloc (09022015). Collection method: clinical testing. Allele origin: germline.
Comment: This sequence change replaces glycine with alanine at codon 927 of the ALK protein (p.Gly927Ala). The glycine residue is highly conserved and there is a small physicochemical difference between glycine and alanine. This variant is not present in population databases (ExAC no frequency). This variant has not been reported in the literature in individuals with ALK-related conditions. Algorithms developed to predict the effect of missense changes on protein structure and function (SIFT, PolyPhen-2, Align-GVGD) all suggest that this variant is likely to be disruptive, but these predictions have not been confirmed by published functional studies and their clinical significance is uncertain. In summary, the available evidence is currently insufficient to determine the role of this variant in disease. Therefore, it has been classified as a Variant of Uncertain Significance.